The following is an entry in ClinVar:

NM_000141.5(FGFR2):c.1481A>G (p.Gln494Arg)

Gene: FGFR2 (fibroblast growth factor receptor 2; minus strand). Cytogenetic location: 10q26.13.
Variant type: single nucleotide variant.
Coding change: c.1481A>G on transcript NM_000141.5 (MANE Select); coding-DNA position 1481, A replaced by G.
Protein change: p.Gln494Arg; replaces glutamine 494 with arginine.
Molecular consequence: missense variant. On other transcripts: non-coding transcript variant (1).
Genome position (GRCh38, 1-based): chr10:121,500,906, T>C on the plus strand (A>G on the coding strand, the complement: FGFR2 is on the minus strand). VCF-style: chr10-121500906-T-C. GRCh37 (hg19) VCF-style: chr10-123260420-T-C.
Other names: c.1484A>G, p.Gln495Arg (NM_001144913.1, NM_022970.4); c.1145A>G, p.Gln382Arg (NM_001144914.1); c.1214A>G, p.Gln405Arg (NM_001144915.2, NM_023029.3); c.1136A>G, p.Gln379Arg (NM_001144916.2); c.1133A>G, p.Gln378Arg (NM_001144917.2); c.1130A>G, p.Gln377Arg (NM_001144918.2); c.1217A>G, p.Gln406Arg (NM_001144919.2); c.797A>G, p.Gln266Arg (NM_001320654.2); and 1 more; short protein forms Q266R, Q377R, Q378R, Q379R, Q382R, Q405R, Q406R, Q492R.
Identifiers: ClinVar variation 3622004 (VCV003622004.2).

ClinVar aggregate classification (germline): Uncertain significance (1 of 4 stars; one submission).

Conditions:
FGFR2-related craniosynostosis. Identifiers: MedGen CN231480.

Submission:

Labcorp Genetics (formerly Invitae), Labcorp
Classification: Uncertain significance for FGFR2-related craniosynostosis. Last evaluated: 2024-08-28. Review status: criteria provided, single submitter. Criteria: Invitae Variant Classification Sherloc (09022015). Collection method: clinical testing. Allele origin: germline.
Comment: This sequence change replaces glutamine, which is neutral and polar, with arginine, which is basic and polar, at codon 494 of the FGFR2 protein (p.Gln494Arg). This variant is not present in population databases (gnomAD no frequency). This variant has not been reported in the literature in individuals affected with FGFR2-related conditions. Invitae Evidence Modeling of protein sequence and biophysical properties (such as structural, functional, and spatial information, amino acid conservation, physicochemical variation, residue mobility, and thermodynamic stability) indicates that this missense variant is expected to disrupt FGFR2 protein function with a positive predictive value of 95%. In summary, the available evidence is currently insufficient to determine the role of this variant in disease. Therefore, it has been classified as a Variant of Uncertain Significance.